The following is an entry in ClinVar:

NM_000979.4(RPL18):c.30C>A (p.Asp10Glu)

Gene: RPL18 (ribosomal protein L18; minus strand). Cytogenetic location: 19q13.33.
Variant type: single nucleotide variant.
Coding change: c.30C>A on transcript NM_000979.4 (MANE Select); coding-DNA position 30, C replaced by A.
Protein change: p.Asp10Glu; replaces aspartic acid 10 with glutamic acid.
Molecular consequence: missense variant. On other transcripts: non-coding transcript variant (1), intron variant (1).
Genome position (GRCh38, 1-based): chr19:48,617,851, G>T on the plus strand (C>A on the coding strand, the complement: RPL18 is on the minus strand). VCF-style: chr19-48617851-G-T. GRCh37 (hg19) VCF-style: chr19-49121108-G-T.
Other names: c.4-428C>A (NM_001270490.2); c.30C>A (NM_000979.3); short protein forms D10E.
Identifiers: ClinVar variation 2071115 (VCV002071115.7), dbSNP rs143728553, ClinGen allele CA9554308.
Genomic context (GRCh38, chr19:48,617,851, plus strand): 5'-CTTGACCAACAGCCTCAGGTAGATATCCTGGCTCTTGGGCTCCTTGCGCCGAACCTTTCG[G>T]TCCTTGTTATGGCGGATGTCCACTCCCTGTGGGGGTGAAGAGGCAACCATGGACCCAATT-3'
Protein context (NP_000970.1, residues 1-20): MGVDIRHNK[Asp10Glu]RKVRRKEPKS

ClinVar aggregate classification (germline): Likely benign. Review status: criteria provided, multiple submitters, no conflicts (2 of 4 stars). 3 submissions from 3 submitters: Likely benign (2). 1 of the submissions does not count toward it. Last evaluated 2026-01-06.

Conditions:
RPL18-related disorder. Also called: RPL18-related condition.

Allele frequency attached by ClinVar (database versions not stated): ESP Exome Variant Server 0.00031; gnomAD 0.00033; gnomAD exomes 0.00035; ExAC 0.00044; TOPMed 0.00051.
gnomAD v4.1: 612 of 1,614,080 alleles (0.038%); highest among the groups gnomAD compares: Middle Eastern, 0.23%; 2 homozygotes.

Submissions (3):

Labcorp Genetics (formerly Invitae), Labcorp
Classification: Likely benign. Last evaluated: 2026-01-06. Review status: criteria provided, single submitter. Criteria: Invitae Variant Classification Sherloc (09022015). Collection method: clinical testing. Allele origin: germline.

Blueprint Genetics
Classification: Likely benign. Last evaluated: 2024-10-25. Review status: criteria provided, single submitter. Criteria: ACMG Guidelines, 2015. Collection method: clinical testing. Allele origin: germline.

PreventionGenetics, part of Exact Sciences
Classification: Likely benign for RPL18-related condition. Last evaluated: 2020-05-22. Review status: no assertion criteria provided. Collection method: clinical testing. Allele origin: germline. Not counted in ClinVar's aggregate classification.
Comment: This variant is classified as likely benign based on ACMG/AMP sequence variant interpretation guidelines (Richards et al. 2015 PMID: 25741868, with internal and published modifications).